The following is an entry in ClinVar:

NM_199242.3(UNC13D):c.2039G>A (p.Arg680Gln)

Gene: UNC13D (unc-13 homolog D; minus strand). Cytogenetic location: 17q25.1.
Variant type: single nucleotide variant.
Coding change: c.2039G>A on transcript NM_199242.3 (MANE Select); coding-DNA position 2039, G replaced by A.
Protein change: p.Arg680Gln; replaces arginine 680 with glutamine.
Molecular consequence: missense variant.
Genome position (GRCh38, 1-based): chr17:75,834,670, C>T on the plus strand (G>A on the coding strand, the complement: UNC13D is on the minus strand). VCF-style: chr17-75834670-C-T. GRCh37 (hg19) VCF-style: chr17-73830751-C-T.
Other names: short protein forms R680Q.
Identifiers: ClinVar variation 836278 (VCV000836278.8), dbSNP rs201324352, ClinGen allele CA8772693.

ClinVar aggregate classification (germline): Uncertain significance. Review status: criteria provided, multiple submitters, no conflicts (2 of 4 stars). 2 submissions from 2 submitters: Uncertain significance (2). Last evaluated 2024-05-20.

Conditions:
Familial hemophagocytic lymphohistiocytosis 3 (FHL3). Also called: UNC13D-Related Familial Hemophagocytic Lymphohistiocytosis (UNC13D-fHLH). Identifiers: Orphanet 540, MedGen C1837174, MONDO:0012146, OMIM 608898.

Allele frequency attached by ClinVar (database versions not stated): TOPMed below 0.00001; gnomAD 0.00001; 1000 Genomes Project 30x 0.00031; 1000 Genomes Project 0.00040.
gnomAD v4.1: 32 of 1,613,750 alleles (0.002%); highest among the groups gnomAD compares: East Asian, 0.027%; no homozygotes.

Submissions (2):

Women's Health and Genetics/Laboratory Corporation of America, LabCorp
Classification: Uncertain significance. Last evaluated: 2024-05-20. Review status: criteria provided, single submitter. Criteria: LabCorp Variant Classification Summary - May 2015. Collection method: clinical testing. Allele origin: germline.
Comment: Variant summary: UNC13D c.2039G>A (p.Arg680Gln) results in a conservative amino acid change located in the MUN domain (IPR010439) of the encoded protein sequence. Four of five in-silico tools predict a damaging effect of the variant on protein function. The variant allele was found at a frequency of 1.6e-05 in 250012 control chromosomes (gnomAD). The available data on variant occurrences in the general population are insufficient to allow any conclusion about variant significance. c.2039G>A has been reported in the literature in at least one individual affected with hemophagocytic lymphohistiocytosis (example: Xinh_2021). This report does not provide unequivocal conclusions about association of the variant with familial hemophagocytic lymphohistiocytosis. To our knowledge, no experimental evidence demonstrating an impact on protein function has been reported. The following publication has been ascertained in the context of this evaluation (PMID: 34339548). ClinVar contains an entry for this variant (Variation ID: 836278). Based on the evidence outlined above, the variant was classified as uncertain significance.

Labcorp Genetics (formerly Invitae), Labcorp
Classification: Uncertain significance for Familial hemophagocytic lymphohistiocytosis 3. Last evaluated: 2022-08-20. Review status: criteria provided, single submitter. Criteria: Invitae Variant Classification Sherloc (09022015). Collection method: clinical testing. Allele origin: germline.
Comment: This sequence change replaces arginine, which is basic and polar, with glutamine, which is neutral and polar, at codon 680 of the UNC13D protein (p.Arg680Gln). This variant is present in population databases (rs201324352, gnomAD 0.01%). This variant has not been reported in the literature in individuals affected with UNC13D-related conditions. ClinVar contains an entry for this variant (Variation ID: 836278). Algorithms developed to predict the effect of missense changes on protein structure and function are either unavailable or do not agree on the potential impact of this missense change (SIFT: "Not Available"; PolyPhen-2: "Probably Damaging"; Align-GVGD: "Not Available"). In summary, the available evidence is currently insufficient to determine the role of this variant in disease. Therefore, it has been classified as a Variant of Uncertain Significance.

Literature cited by the submitters: PubMed 34339548 (cited by Women's Health and Genetics/Laboratory Corporation of America, LabCorp).